The following is an entry in ClinVar:

ClinVar aggregate classification (germline): Pathogenic (1 of 4 stars; one submission).

gnomAD v4.1: 1 of 1,614,212 alleles (0.000062%); highest among the groups gnomAD compares: Non-Finnish European, 0.000085%; no homozygotes.

Submission:

Labcorp Genetics (formerly Invitae), Labcorp
Classification: Pathogenic. Last evaluated: 2022-12-24. Review status: criteria provided, single submitter. Criteria: Invitae Variant Classification Sherloc (09022015). Collection method: clinical testing. Allele origin: germline.
Comment: This sequence change creates a premature translational stop signal (p.Tyr412*) in the ACAD9 gene. It is expected to result in an absent or disrupted protein product. Loss-of-function variants in ACAD9 are known to be pathogenic (PMID: 25721401). This variant is not present in population databases (gnomAD no frequency). This variant has not been reported in the literature in individuals affected with ACAD9-related conditions. For these reasons, this variant has been classified as Pathogenic.

Literature cited by the submitters: PubMed 25721401.

NM_014049.5(ACAD9):c.1236C>G (p.Tyr412Ter)

Gene: ACAD9 (acyl-CoA dehydrogenase family member 9; plus strand). Cytogenetic location: 3q21.3.
Variant type: single nucleotide variant.
Coding change: c.1236C>G on transcript NM_014049.5 (MANE Select); coding-DNA position 1236, C replaced by G.
Protein change: p.Tyr412Ter; replaces tyrosine 412 with a stop codon.
Molecular consequence: nonsense. On other transcripts: non-coding transcript variant (1).
Genome position (GRCh38, 1-based): chr3:128,906,207, C>G. VCF-style: chr3-128906207-C-G. GRCh37 (hg19) VCF-style: chr3-128625050-C-G.
Other names: c.867C>G, p.Tyr289Ter (NM_001410805.1); short protein forms Y289*, Y412*.
Identifiers: ClinVar variation 2808942 (VCV002808942.3), dbSNP rs752416907, ClinGen allele CA354437203.